The following is an entry in ClinVar:

ClinVar aggregate classification (germline): Conflicting classifications of pathogenicity. Review status: criteria provided, conflicting classifications (1 of 4 stars). 3 submissions from 3 submitters: Uncertain significance (2); Likely benign (1). Last evaluated 2024-10-29.

Conditions:
Inborn genetic diseases. Identifiers: MedGen C0950123, MeSH D030342.
Larsen syndrome (LRS). Also called: Bilateral dislocation of the knees, pes cavus, cylindrically shaped fingers and characteristic facies; Larsen syndrome (FLNB-LS). Identifiers: Orphanet 503, MedGen C0175778, MONDO:0007875, OMIM 150250. Disease mechanism: loss of function.

Allele frequency attached by ClinVar (database versions not stated): gnomAD 0.00001; TOPMed 0.00001; ExAC 0.00002; gnomAD exomes 0.00002.
gnomAD v4.1: 30 of 1,614,128 alleles (0.0019%); highest among the groups gnomAD compares: Admixed American, 0.005%; no homozygotes.

Submissions (3):

Ambry Genetics
Classification: Uncertain significance for Inborn genetic diseases. Last evaluated: 2024-10-29. Review status: criteria provided, single submitter. Criteria: Ambry Variant Classification Scheme 2023. Collection method: clinical testing. Allele origin: germline.

Labcorp Genetics (formerly Invitae), Labcorp
Classification: Likely benign. Last evaluated: 2023-05-01. Review status: criteria provided, single submitter. Criteria: Invitae Variant Classification Sherloc (09022015). Collection method: clinical testing. Allele origin: germline.

New York Genome Center
Classification: Uncertain significance for Larsen syndrome. Last evaluated: 2021-03-22. Review status: criteria provided, single submitter. Criteria: NYGC Assertion Criteria 2020. Collection method: clinical testing. Allele origin: germline. Observed: 1 heterozygote. Study: CSER-NYCKidSeq.
Comment: The c.5059T>C (p.Tyr1687His) variant in exon 29 of 46 of FLNB has not been reported in affected individuals in the available literature. This variant is present in gnomADv3 at a low frequency (1/152238 heterozygote, allele frequency=6.56e-6), suggesting it is not a common benign variant in the populations represented in this database. In silico predictors suggest this variant is Benign (REVELscore: 0.2189) and Tolerated (SIFT score: 0.215). Given the current evidences regarding its pathogenicity, the c.5059T>C (p.Tyr1687His) variant identified in the FLNB gene is a Variant of uncertain significance.

NM_001457.4(FLNB):c.5059T>C (p.Tyr1687His)

Gene: FLNB (filamin B; plus strand). Cytogenetic location: 3p14.3.
Variant type: single nucleotide variant.
Coding change: c.5059T>C on transcript NM_001457.4 (MANE Select); coding-DNA position 5059, T replaced by C.
Protein change: p.Tyr1687His; replaces tyrosine 1687 with histidine.
Molecular consequence: missense variant.
Genome position (GRCh38, 1-based): chr3:58,138,479, T>C. VCF-style: chr3-58138479-T-C. GRCh37 (hg19) VCF-style: chr3-58124206-T-C.
Other names: c.5152T>C, p.Tyr1718His (NM_001164317.2); c.5059T>C, p.Tyr1687His (NM_001164318.2, NM_001164319.2); short protein forms Y1687H, Y1718H.
Identifiers: ClinVar variation 1342377 (VCV001342377.7), dbSNP rs774862180, ClinGen allele CA2468936.
Genomic context (GRCh38, chr3:58,138,479, plus strand): 5'-AATGAAGATGGAACCTATGACATCTTCTACACAGCTGCCAAGCCGGGCACATATGTGATC[T>C]ATGTGCGCTTCGGTGGTGTTGATATTCCTAACAGCCCCTTCACTGTCATGGTAAGGAAAA-3'
Protein context (NP_001448.2, residues 1677-1697): TAAKPGTYVI[Tyr1687His]VRFGGVDIPN